The following is an entry in ClinVar:

NM_000104.4(CYP1B1):c.1084C>T (p.Gln362Ter)

Gene: CYP1B1 (cytochrome P450 family 1 subfamily B member 1; minus strand). Cytogenetic location: 2p22.2.
Variant type: single nucleotide variant.
Coding change: c.1084C>T on transcript NM_000104.4 (MANE Select); coding-DNA position 1084, C replaced by T.
Protein change: p.Gln362Ter; replaces glutamine 362 with a stop codon.
Molecular consequence: nonsense.
Genome position (GRCh38, 1-based): chr2:38,071,270, G>A on the plus strand (C>T on the coding strand, the complement: CYP1B1 is on the minus strand). VCF-style: chr2-38071270-G-A. GRCh37 (hg19) VCF-style: chr2-38298413-G-A.
Other names: short protein forms Q362*.
Identifiers: ClinVar variation 4851973 (VCV004851973.1).

ClinVar aggregate classification (germline): Pathogenic (1 of 4 stars; one submission).

gnomAD v4.1: 1 of 1,613,062 alleles (0.000062%); highest among the groups gnomAD compares: Non-Finnish European, 0.000085%; no homozygotes.

Submission:

Dasa
Classification: Pathogenic. Last evaluated: 2025-10-09. Review status: criteria provided, single submitter. Criteria: DASA Assertion Criteria. Collection method: clinical testing. Allele origin: germline.
Comment: NM_000104.4(CYP1B1):c.1084C>T (p.Gln362*) introduces a premature termination codon predicted to result in loss of normal protein function. Loss-of-function is an established mechanism of disease for this gene. This variant has been recurrently observed in individuals with related phenotype (PMID: 25091052; PMID: 27777502). The variant is present at low frequency in population datasets. Based on the available data, this variant is classified as pathogenic.

Literature cited by the submitters: PubMed 25091052; PubMed 27777502.